The following is an entry in ClinVar:

ClinVar aggregate classification (germline): Uncertain significance. Review status: criteria provided, multiple submitters, no conflicts (2 of 4 stars). 4 submissions from 4 submitters: Uncertain significance (3). 1 of the submissions does not count toward it. Last evaluated 2025-08-21.

Conditions:
Cardiovascular phenotype. Identifiers: MedGen CN230736.
Cardiomyopathy (CMYO). Also called: Cardiomyopathies. Identifiers: Orphanet 167848, MedGen C0878544, MONDO:0004994, HP:0001638. Inheritance: Various modes of inheritance.
Becker muscular dystrophy (BMD). Also called: MUSCULAR DYSTROPHY, PSEUDOHYPERTROPHIC PROGRESSIVE, BECKER TYPE; Becker Muscular Dystrophy (BMD). Identifiers: Orphanet 98895, MedGen C0917713, MONDO:0010311, OMIM 300376.
Duchenne muscular dystrophy (DMD). Also called: Duchenne Muscular Dystrophy (DMD); MUSCULAR DYSTROPHY, PSEUDOHYPERTROPHIC PROGRESSIVE, DUCHENNE TYPE. Identifiers: Orphanet 98896, MedGen C0013264, MONDO:0010679, OMIM 310200.
Dystrophin deficiency.

Submissions (4):

Ambry Genetics
Classification: Uncertain significance for Cardiovascular phenotype. Last evaluated: 2025-08-21. Review status: criteria provided, single submitter. Criteria: Ambry Variant Classification Scheme 2023. Collection method: clinical testing. Allele origin: germline.
Comment: The p.M1141R variant (also known as c.3422T>G), located in coding exon 25 of the DMD gene, results from a T to G substitution at nucleotide position 3422. The methionine at codon 1141 is replaced by arginine, an amino acid with similar properties. This variant was reported in individual(s) with features consistent with dilated cardiomyopathy (Janin A et al. Mol Diagn Ther, 2021 May;25:373-385). This amino acid position is poorly conserved in available vertebrate species. In addition, this alteration is predicted to be tolerated by in silico analysis. Based on the available evidence, the clinical significance of this variant remains unclear.

Labcorp Genetics (formerly Invitae), Labcorp
Classification: Uncertain significance for Duchenne muscular dystrophy. Last evaluated: 2025-03-17. Review status: criteria provided, single submitter. Criteria: Invitae Variant Classification Sherloc (09022015). Collection method: clinical testing. Allele origin: germline.
Comment: This sequence change replaces methionine, which is neutral and non-polar, with arginine, which is basic and polar, at codon 1141 of the DMD protein (p.Met1141Arg). This variant is not present in population databases (gnomAD no frequency). This variant has not been reported in the literature in individuals affected with DMD-related conditions. ClinVar contains an entry for this variant (Variation ID: 284457). Invitae Evidence Modeling of protein sequence and biophysical properties (such as structural, functional, and spatial information, amino acid conservation, physicochemical variation, residue mobility, and thermodynamic stability) indicates that this missense variant is not expected to disrupt DMD protein function with a negative predictive value of 95%. In summary, the available evidence is currently insufficient to determine the role of this variant in disease. Therefore, it has been classified as a Variant of Uncertain Significance.

Eurofins Ntd Llc (ga)
Classification: Uncertain significance. Last evaluated: 2015-10-29. Review status: criteria provided, single submitter. Criteria: EGL Classification Definitions 2015. Collection method: clinical testing. Allele origin: germline. Observed: 1 variant allele, 1 homozygote.

Natera, Inc.
Classification: Uncertain significance for Becker muscular dystrophy; Cardiomyopathy; Duchenne muscular dystrophy; Dystrophin deficiency. Last evaluated: 2020-09-29. Review status: no assertion criteria provided. Collection method: clinical testing. Allele origin: germline. Not counted in ClinVar's aggregate classification.

Literature cited by the submitters: PubMed 33954932 (cited by Ambry Genetics).

NM_004006.3(DMD):c.3422T>G (p.Met1141Arg)

Gene: DMD (dystrophin; minus strand). Cytogenetic location: Xp21.1.
Variant type: single nucleotide variant.
Coding change: c.3422T>G on transcript NM_004006.3 (MANE Select); coding-DNA position 3422, T replaced by G.
Protein change: p.Met1141Arg; replaces methionine 1141 with arginine.
Molecular consequence: missense variant.
Genome position (GRCh38, 1-based): chrX:32,463,449, A>C on the plus strand (T>G on the coding strand, the complement: DMD is on the minus strand). VCF-style: chrX-32463449-A-C. GRCh37 (hg19) VCF-style: chrX-32481566-A-C.
Other names: c.3398T>G, p.Met1133Arg (NM_000109.4); c.3410T>G, p.Met1137Arg (NM_004009.3); c.3053T>G, p.Met1018Arg (NM_004010.3); short protein forms M1141R, M1018R, M1137R, M1133R.
Identifiers: ClinVar variation 284457 (VCV000284457.16), dbSNP rs886042873, ClinGen allele CA10604798.